The following is an entry in ClinVar:

NM_000257.4(MYH7):c.1956+114G>A

Gene: MYH7 (myosin heavy chain 7; minus strand). Cytogenetic location: 14q11.2.
Variant type: single nucleotide variant.
Coding change: c.1956+114G>A on transcript NM_000257.4 (MANE Select); 114 bases into the intron after coding-DNA position 1956, G replaced by A.
Molecular consequence: intron variant.
Genome position (GRCh38, 1-based): chr14:23,427,126, C>T on the plus strand (G>A on the coding strand, the complement: MYH7 is on the minus strand). VCF-style: chr14-23427126-C-T. GRCh37 (hg19) VCF-style: chr14-23896335-C-T.
Identifiers: ClinVar variation 132918 (VCV000132918.2), dbSNP rs606231330, ClinGen allele CA011514.

ClinVar aggregate classification (germline): Uncertain significance (0 of 4 stars; one submission).

Conditions:
Familial cardiomyopathy. Identifiers: MedGen C0264789, MONDO:0005217.

Allele frequency attached by ClinVar (database versions not stated): gnomAD exomes below 0.00001.
gnomAD v4.1: 1 of 1,097,816 alleles (0.000091%); highest among the groups gnomAD compares: Non-Finnish European, 0.00014%; no homozygotes.

Submission:

Evolutionary and Medical Genetics Laboratory,  Centre for Cellular and Molecular Biology
Classification: Uncertain significance. Review status: no assertion criteria provided. Collection method: not provided. Allele origin: unknown.
ClinVar note: Converted during submission from unknown to Uncertain significance.